The following is an entry in ClinVar:

NM_000540.3(RYR1):c.13525G>T (p.Gly4509Trp)

Gene: RYR1 (ryanodine receptor 1; plus strand). Cytogenetic location: 19q13.2.
Variant type: single nucleotide variant.
Coding change: c.13525G>T on transcript NM_000540.3 (MANE Select); coding-DNA position 13525, G replaced by T.
Protein change: p.Gly4509Trp; replaces glycine 4509 with tryptophan.
Molecular consequence: missense variant.
Genome position (GRCh38, 1-based): chr19:38,567,783, G>T. VCF-style: chr19-38567783-G-T. GRCh37 (hg19) VCF-style: chr19-39058423-G-T.
Other names: c.13510G>T, p.Gly4504Trp (NM_001042723.2); short protein forms G4504W, G4509W.
Identifiers: ClinVar variation 4087882 (VCV004087882.1).

ClinVar aggregate classification (germline): Uncertain significance (1 of 4 stars; one submission).

Submission:

GeneDx
Classification: Uncertain significance. Last evaluated: 2025-03-21. Review status: criteria provided, single submitter. Criteria: GeneDx Variant Classification Process June 2021. Collection method: clinical testing. Allele origin: germline. Affected: yes.
Comment: Not observed at significant frequency in large population cohorts (gnomAD); In silico analysis supports that this missense variant has a deleterious effect on protein structure/function; Has not been previously published as pathogenic or benign to our knowledge